The following is an entry in ClinVar:

NM_001370298.3(FGD4):c.500G>A (p.Gly167Asp)

Gene: FGD4 (FYVE, RhoGEF and PH domain containing 4; plus strand). Cytogenetic location: 12p11.21.
Variant type: single nucleotide variant.
Coding change: c.500G>A on transcript NM_001370298.3 (MANE Select); coding-DNA position 500, G replaced by A.
Protein change: p.Gly167Asp; replaces glycine 167 with aspartic acid.
Molecular consequence: missense variant. On other transcripts: 5 prime UTR variant (2), intron variant (4).
Genome position (GRCh38, 1-based): chr12:32,576,446, G>A. VCF-style: chr12-32576446-G-A. GRCh37 (hg19) VCF-style: chr12-32729380-G-A.
Other names: c.344G>A, p.Gly115Asp (NM_001304481.2); c.-756G>A (NM_001304483.2); c.-1063G>A (NM_001304484.2); c.500G>A, p.Gly167Asp (NM_001384126.1); c.89G>A, p.Gly30Asp (NM_001384127.1, NM_001384128.1, NM_001384131.1 and 3 more transcripts); c.-187-5514G>A (NM_001330374.2, NM_001330373.2, NM_001384130.1); c.48+12157G>A (NM_001370297.1); short protein forms G115D, G30D, G167D.
Identifiers: ClinVar variation 1765407 (VCV001765407.2), dbSNP rs2540516069, ClinGen allele CA384355476.

ClinVar aggregate classification (germline): Uncertain significance (1 of 4 stars; one submission).

Conditions:
Inborn genetic diseases. Identifiers: MedGen C0950123, MeSH D030342.

Submission:

Ambry Genetics
Classification: Uncertain significance for Inborn genetic diseases. Last evaluated: 2022-01-15. Review status: criteria provided, single submitter. Criteria: Ambry Variant Classification Scheme 2023. Collection method: clinical testing. Allele origin: germline.
Comment: The p.G30D variant (also known as c.89G>A), located in coding exon 1 of the FGD4 gene, results from a G to A substitution at nucleotide position 89. The glycine at codon 30 is replaced by aspartic acid, an amino acid with similar properties. This amino acid position is conserved. In addition, the in silico prediction for this alteration is inconclusive. Since supporting evidence is limited at this time, the clinical significance of this alteration remains unclear.